The following is an entry in ClinVar:

NM_000368.5(TSC1):c.106G>C (p.Asp36His)

Gene: TSC1 (TSC complex subunit 1; minus strand). Cytogenetic location: 9q34.13.
Variant type: single nucleotide variant.
Coding change: c.106G>C on transcript NM_000368.5 (MANE Select); coding-DNA position 106, G replaced by C.
Protein change: p.Asp36His; replaces aspartic acid 36 with histidine.
Molecular consequence: missense variant. On other transcripts: 5 prime UTR variant (1).
Genome position (GRCh38, 1-based): chr9:132,928,767, C>G on the plus strand (G>C on the coding strand, the complement: TSC1 is on the minus strand). VCF-style: chr9-132928767-C-G. GRCh37 (hg19) VCF-style: chr9-135804154-C-G.
Other names: c.106G>C, p.Asp36His (NM_001162426.2, NM_001162427.2); c.-154G>C (NM_001362177.2); short protein forms D36H.
Identifiers: ClinVar variation 848441 (VCV000848441.13), dbSNP rs1847030850, ClinGen allele CA375375252.

ClinVar aggregate classification (germline): Uncertain significance. Review status: criteria provided, multiple submitters, no conflicts (2 of 4 stars). 3 submissions from 3 submitters: Uncertain significance (3). Last evaluated 2025-03-18.

Conditions:
Tuberous sclerosis 1 (TSC1). Identifiers: Orphanet 805, MedGen C1854465, MONDO:0008612, OMIM 191100.
Hereditary cancer-predisposing syndrome. Also called: Neoplastic Syndromes, Hereditary; Hereditary Cancer Syndrome; Hereditary neoplastic syndrome; Tumor predisposition. Identifiers: Orphanet 140162, MedGen C0027672, MeSH D009386, MONDO:0015356.

Submissions (3):

Labcorp Genetics (formerly Invitae), Labcorp
Classification: Uncertain significance for Tuberous sclerosis 1. Last evaluated: 2025-03-18. Review status: criteria provided, single submitter. Criteria: Invitae Variant Classification Sherloc (09022015). Collection method: clinical testing. Allele origin: germline.
Comment: This sequence change replaces aspartic acid, which is acidic and polar, with histidine, which is basic and polar, at codon 36 of the TSC1 protein (p.Asp36His). This variant also falls at the last nucleotide of exon 3, which is part of the consensus splice site for this exon. This variant is not present in population databases (gnomAD no frequency). This variant has not been reported in the literature in individuals affected with TSC1-related conditions. ClinVar contains an entry for this variant (Variation ID: 848441). Invitae Evidence Modeling of protein sequence and biophysical properties (such as structural, functional, and spatial information, amino acid conservation, physicochemical variation, residue mobility, and thermodynamic stability) indicates that this missense variant is not expected to disrupt TSC1 protein function with a negative predictive value of 95%. Variants that disrupt the consensus splice site are a relatively common cause of aberrant splicing (PMID: 17576681, 9536098). Algorithms developed to predict the effect of sequence changes on RNA splicing suggest that this variant may disrupt the consensus splice site. In summary, the available evidence is currently insufficient to determine the role of this variant in disease. Therefore, it has been classified as a Variant of Uncertain Significance.

Ambry Genetics
Classification: Uncertain significance for Hereditary cancer-predisposing syndrome. Last evaluated: 2025-02-04. Review status: criteria provided, single submitter. Criteria: Ambry Variant Classification Scheme 2023. Collection method: clinical testing. Allele origin: germline.
Comment: The c.106G>C variant (also known as p.D36H), located in coding exon 1 of the TSC1 gene, results from a G to C substitution at nucleotide position 106. The amino acid change results in aspartic acid to histidine at codon 36, an amino acid with similar properties. However, this change occurs in the last base pair of coding exon 1, which makes it likely to have some effect on normal mRNA splicing. This nucleotide position is highly conserved in available vertebrate species. This amino acid position is also highly conserved in available vertebrate species. In silico splice site analysis predicts that this alteration may weaken the native splice donor site and will result in the creation or strengthening of a novel splice donor site; however, direct evidence is insufficient at this time (Ambry internal data). In addition, as a missense, the in silico prediction for this alteration is inconclusive. Based on the available evidence, the clinical significance of this variant remains unclear.

Sema4
Classification: Uncertain significance for Hereditary cancer-predisposing syndrome. Last evaluated: 2021-10-05. Review status: criteria provided, single submitter. Criteria: Sema4 Curation Guidelines. Collection method: curation. Allele origin: germline.
Comment: The TSC1 c.106G>C (p.D36H) variant has not been reported in the literature to our knowledge. It was not observed in the large and broad cohorts of the Genome Aggregation Database, but has been reported in ClinVar (Variation ID 848441). In silico tools suggest the impact of the variant on protein function is inconclusive. The variant is the last nucleotide of exon 3 and is predicted by multiple splicing prediction tools to disrupt the canonical donor site. However, these predictions have not been confirmed by functional studies. The evidence is insufficient to meet ACMG/AMP criteria for classifying the variant as benign or pathogenic. Thus, the clinical significance of this variant is currently uncertain.

Literature cited by the submitters: PubMed 17576681 (cited by Labcorp Genetics (formerly Invitae), Labcorp); PubMed 9536098 (cited by Labcorp Genetics (formerly Invitae), Labcorp).